The following is an entry in ClinVar:

NM_000186.4(CFH):c.214G>A (p.Val72Ile)

Gene: CFH (complement factor H; plus strand). Cytogenetic location: 1q31.3.
Variant type: single nucleotide variant.
Coding change: c.214G>A on transcript NM_000186.4 (MANE Select); coding-DNA position 214, G replaced by A.
Protein change: p.Val72Ile; replaces valine 72 with isoleucine.
Molecular consequence: missense variant.
Genome position (GRCh38, 1-based): chr1:196,673,133, G>A. VCF-style: chr1-196673133-G-A. GRCh37 (hg19) VCF-style: chr1-196642263-G-A.
Other names: c.214G>A, p.Val72Ile (NM_001014975.3); short protein forms V72I.
Identifiers: ClinVar variation 1383188 (VCV001383188.6), dbSNP rs766241195, ClinGen allele CA343996358.

ClinVar aggregate classification (germline): Uncertain significance (1 of 4 stars; one submission).

Allele frequency attached by ClinVar (database versions not stated): gnomAD 0.00002.
gnomAD v4.1: 4 of 1,613,470 alleles (0.00025%); highest among the groups gnomAD compares: African/African-American, 0.004%; no homozygotes.

Submission:

Labcorp Genetics (formerly Invitae), Labcorp
Classification: Uncertain significance. Last evaluated: 2024-02-20. Review status: criteria provided, single submitter. Criteria: Invitae Variant Classification Sherloc (09022015). Collection method: clinical testing. Allele origin: germline.
Comment: This sequence change replaces valine, which is neutral and non-polar, with isoleucine, which is neutral and non-polar, at codon 72 of the CFH protein (p.Val72Ile). This variant is present in population databases (no rsID available, gnomAD 0.01%). This variant has not been reported in the literature in individuals affected with CFH-related conditions. ClinVar contains an entry for this variant (Variation ID: 1383188). An algorithm developed to predict the effect of missense changes on protein structure and function (PolyPhen-2) suggests that this variant is likely to be disruptive. In summary, the available evidence is currently insufficient to determine the role of this variant in disease. Therefore, it has been classified as a Variant of Uncertain Significance.